The following is an entry in ClinVar:

NM_001370259.2(MEN1):c.1159G>T (p.Glu387Ter)

Gene: MEN1 (menin 1; minus strand). Cytogenetic location: 11q13.1.
Variant type: single nucleotide variant.
Coding change: c.1159G>T on transcript NM_001370259.2 (MANE Select); coding-DNA position 1159, G replaced by T.
Protein change: p.Glu387Ter; replaces glutamic acid 387 with a stop codon.
Molecular consequence: nonsense. On other transcripts: non-coding transcript variant (4).
Genome position (GRCh38, 1-based): chr11:64,805,661, C>A on the plus strand (G>T on the coding strand, the complement: MEN1 is on the minus strand). VCF-style: chr11-64805661-C-A. GRCh37 (hg19) VCF-style: chr11-64573133-C-A.
Other names: c.1174G>T, p.Glu392Ter (NM_000244.4, NM_001407145.1, NM_130800.3 and 4 more transcripts); c.1285G>T, p.Glu429Ter (NM_001370251.2, NM_001407142.1, NM_001407143.1 and 1 more transcripts); c.1159G>T, p.Glu387Ter (NM_001370260.2, NM_001370261.2, NM_001407146.1 and 3 more transcripts); c.1054G>T, p.Glu352Ter (NM_001370262.2, NM_001370263.2, NM_001407148.1 and 1 more transcripts); c.1300G>T, p.Glu434Ter (NM_001407150.1); c.1180G>T, p.Glu394Ter (NM_001407151.1); short protein forms E352*, E387*, E392*, E394*, E429*, E434*.
Identifiers: ClinVar variation 5042254 (VCV005042254.1).

ClinVar aggregate classification (germline): Pathogenic (1 of 4 stars; one submission).

Conditions:
Multiple endocrine neoplasia, type 1 (MEN1). Also called: MEA I; MEN I; WERMER SYNDROME; Endocrine adenomatosis multiple; MEN 1. Identifiers: Orphanet 652, MedGen C0025267, MeSH D018761, MONDO:0007540, OMIM 131100.

Submission:

Myriad Genetics, Inc.
Classification: Pathogenic for Multiple endocrine neoplasia, type 1. Last evaluated: 2026-08-19. Review status: criteria provided, single submitter. Criteria: Myriad Autosomal Dominant, Autosomal Recessive and X-Linked Classification Criteria (2023). Collection method: clinical testing. Allele origin: unknown.
Comment: This variant is considered pathogenic. This variant creates a termination codon and is predicted to result in premature protein truncation.